The following is an entry in ClinVar:

ClinVar aggregate classification (germline): Uncertain significance. Review status: criteria provided, multiple submitters, no conflicts (2 of 4 stars). 3 submissions from 3 submitters: Uncertain significance (3). Last evaluated 2026-01-14.

Conditions:
Inborn genetic diseases. Identifiers: MedGen C0950123, MeSH D030342.

Allele frequency attached by ClinVar (database versions not stated): gnomAD 0.00001; TOPMed below 0.00001.

Submissions (3):

Ambry Genetics
Classification: Uncertain significance for Inborn genetic diseases. Last evaluated: 2026-01-14. Review status: criteria provided, single submitter. Criteria: Ambry Variant Classification Scheme 2023. Collection method: clinical testing. Allele origin: germline.
Comment: The c.86A>T (p.K29M) alteration is located in exon 1 (coding exon 1) of the COL4A3 gene. This alteration results from a A to T substitution at nucleotide position 86, causing the lysine (K) at amino acid position 29 to be replaced by a methionine (M). Based on data from gnomAD, the T allele has an overall frequency of <0.001% (0/111968) total alleles studied. The highest observed frequency was <0.001% (/) of alleles. Based on insufficient or conflicting evidence, the clinical significance of this alteration remains unclear.

Labcorp Genetics (formerly Invitae), Labcorp
Classification: Uncertain significance. Last evaluated: 2023-05-13. Review status: criteria provided, single submitter. Criteria: Invitae Variant Classification Sherloc (09022015). Collection method: clinical testing. Allele origin: germline.
Comment: In summary, the available evidence is currently insufficient to determine the role of this variant in disease. Therefore, it has been classified as a Variant of Uncertain Significance. This sequence change replaces lysine, which is basic and polar, with methionine, which is neutral and non-polar, at codon 29 of the COL4A3 protein (p.Lys29Met). This variant is not present in population databases (gnomAD no frequency). This variant has not been reported in the literature in individuals affected with COL4A3-related conditions. ClinVar contains an entry for this variant (Variation ID: 1334515). An algorithm developed to predict the effect of missense changes on protein structure and function (PolyPhen-2) suggests that this variant is likely to be disruptive.

Greenwood Genetic Center Diagnostic Laboratories, Greenwood Genetic Center
Classification: Uncertain significance. Last evaluated: 2021-07-12. Review status: criteria provided, single submitter. Criteria: ACMG Guidelines, 2015. Collection method: clinical testing. Allele origin: germline. Affected: yes.
Comment: PM2

NM_000091.5(COL4A3):c.86A>T (p.Lys29Met)

Genes: COL4A3 (collagen type IV alpha 3 chain; plus strand), LOC129935730 (ATAC-STARR-seq lymphoblastoid silent region 12397; plus strand). Cytogenetic location: 2q36.3.
Variant type: single nucleotide variant.
Coding change: c.86A>T on transcript NM_000091.5 (MANE Select); coding-DNA position 86, A replaced by T.
Protein change: p.Lys29Met; replaces lysine 29 with methionine.
Molecular consequence: missense variant.
Genome position (GRCh38, 1-based): chr2:227,164,812, A>T. VCF-style: chr2-227164812-A-T. GRCh37 (hg19) VCF-style: chr2-228029528-A-T.
Other names: c.86A>T (NM_000091.4); short protein forms K29M.
Identifiers: ClinVar variation 1334515 (VCV001334515.8), dbSNP rs999240932, ClinGen allele CA66565557.